The following is an entry in ClinVar:

ClinVar aggregate classification (germline): Conflicting classifications of pathogenicity. Review status: criteria provided, conflicting classifications (1 of 4 stars). 4 submissions from 4 submitters: Uncertain significance (1); Likely benign (3). Last evaluated 2026-04-21.

Conditions:
Distal myopathy with posterior leg and anterior hand involvement. Also called: WILLIAMS DISTAL MYOPATHY. Identifiers: Orphanet 63273, MedGen C3279722, MONDO:0013550, OMIM 614065.
Hypertrophic cardiomyopathy 26. Also called: Cardiomyopathy, familial hypertrophic, 26. Identifiers: Orphanet 75249, MedGen C4310749, MONDO:0014883, OMIM 617047.
Myofibrillar myopathy 5. Also called: FILAMINOPATHY, AUTOSOMAL DOMINANT; Filaminopathy (type). Identifiers: Orphanet 171445, MedGen C1836050, MONDO:0012289, OMIM 609524.
FLNC-related disorder. Also called: FLNC-related condition; FLNC-related disorders.

Allele frequency attached by ClinVar (database versions not stated): TOPMed below 0.00001; gnomAD exomes 0.00001 and 0.00002; ExAC 0.00002.
gnomAD v4.1: 14 of 1,613,804 alleles (0.00087%); highest among the groups gnomAD compares: South Asian, 0.0077%; no homozygotes.

Submissions (4):

PreventionGenetics, part of Exact Sciences
Classification: Likely benign for FLNC-related condition. Last evaluated: 2026-04-21. Review status: criteria provided, single submitter. Criteria: ACMG Guidelines, 2015. Collection method: clinical testing. Allele origin: germline.
Comment: This variant is classified as likely benign based on ACMG/AMP sequence variant interpretation guidelines (Richards et al. 2015 PMID: 25741868, with internal and published modifications).

Labcorp Genetics (formerly Invitae), Labcorp
Classification: Likely benign for Distal myopathy with posterior leg and anterior hand involvement; Myofibrillar myopathy 5; Hypertrophic cardiomyopathy 26. Last evaluated: 2026-01-10. Review status: criteria provided, single submitter. Criteria: Invitae Variant Classification Sherloc (09022015). Collection method: clinical testing. Allele origin: germline.

GeneDx
Classification: Likely benign. Last evaluated: 2020-07-16. Review status: criteria provided, single submitter. Criteria: GeneDx Variant Classification Process June 2021. Collection method: clinical testing. Allele origin: germline. Affected: yes.

Eurofins Ntd Llc (ga)
Classification: Uncertain significance. Last evaluated: 2015-02-05. Review status: criteria provided, single submitter. Criteria: EGL Classification Definitions 2015. Collection method: clinical testing. Allele origin: germline. Observed: 1 variant allele, 1 heterozygote.

NM_001458.5(FLNC):c.2008-7C>T

Gene: FLNC (filamin C; plus strand). Cytogenetic location: 7q32.1.
Variant type: single nucleotide variant.
Coding change: c.2008-7C>T on transcript NM_001458.5 (MANE Select); 7 bases into the intron before coding-DNA position 2008, C replaced by T.
Molecular consequence: intron variant.
Genome position (GRCh38, 1-based): chr7:128,841,447, C>T. VCF-style: chr7-128841447-C-T. GRCh37 (hg19) VCF-style: chr7-128481501-C-T.
Other names: c.2008-7C>T (NM_001127487.2).
Identifiers: ClinVar variation 194197 (VCV000194197.18), dbSNP rs767576240, ClinGen allele CA240056.